The following is an entry in ClinVar:

NM_004336.5(BUB1):c.2059C>T (p.Leu687Phe)

Gene: BUB1 (BUB1 mitotic checkpoint serine/threonine kinase; minus strand). Cytogenetic location: 2q13.
Variant type: single nucleotide variant.
Coding change: c.2059C>T on transcript NM_004336.5 (MANE Select); coding-DNA position 2059, C replaced by T.
Protein change: p.Leu687Phe; replaces leucine 687 with phenylalanine.
Molecular consequence: missense variant.
Genome position (GRCh38, 1-based): chr2:110,650,690, G>A on the plus strand (C>T on the coding strand, the complement: BUB1 is on the minus strand). VCF-style: chr2-110650690-G-A. GRCh37 (hg19) VCF-style: chr2-111408267-G-A.
Other names: c.1999C>T, p.Leu667Phe (NM_001278616.2); c.2059C>T, p.Leu687Phe (NM_001278617.2); short protein forms L667F, L687F.
Identifiers: ClinVar variation 2464865 (VCV002464865.2), dbSNP rs909749796, ClinGen allele CA53526886.

ClinVar aggregate classification (germline): Uncertain significance (1 of 4 stars; one submission).

Allele frequency attached by ClinVar (database versions not stated): gnomAD 0.00001; gnomAD exomes 0.00002; TOPMed 0.00004.
gnomAD v4.1: 30 of 1,613,908 alleles (0.0019%); highest among the groups gnomAD compares: Middle Eastern, 0.016%; no homozygotes.

Submission:

Ambry Genetics
Classification: Uncertain significance. Last evaluated: 2022-12-04. Review status: criteria provided, single submitter. Criteria: Ambry Variant Classification Scheme 2023. Collection method: clinical testing. Allele origin: germline.
Comment: The p.L687F variant (also known as c.2059C>T), located in coding exon 18 of the BUB1 gene, results from a C to T substitution at nucleotide position 2059. The leucine at codon 687 is replaced by phenylalanine, an amino acid with highly similar properties. This amino acid position is conserved. In addition, this alteration is predicted to be tolerated by in silico analysis. Since supporting evidence is limited at this time, the clinical significance of this alteration remains unclear.